The following is an entry in ClinVar:

NM_000059.4(BRCA2):c.7453C>G (p.Gln2485Glu)

Gene: BRCA2 (BRCA2 DNA repair associated; plus strand). Cytogenetic location: 13q13.1.
Variant type: single nucleotide variant.
Coding change: c.7453C>G on transcript NM_000059.4 (MANE Select); coding-DNA position 7453, C replaced by G.
Protein change: p.Gln2485Glu; replaces glutamine 2485 with glutamic acid.
Molecular consequence: missense variant. On other transcripts: non-coding transcript variant (1).
Genome position (GRCh38, 1-based): chr13:32,356,445, C>G. VCF-style: chr13-32356445-C-G. GRCh37 (hg19) VCF-style: chr13-32930582-C-G.
Other names: c.7357C>G, p.Gln2453Glu (NM_001406719.1); c.7453C>G, p.Gln2485Glu (NM_001406720.1, NM_001432077.1); c.2521C>G, p.Gln841Glu (NM_001406721.1); c.1036C>G, p.Gln346Glu (NM_001406722.1); short protein forms Q2453E, Q841E, Q2485E, Q346E.
Identifiers: ClinVar variation 4629008 (VCV004629008.1).

ClinVar aggregate classification (germline): Uncertain significance (1 of 4 stars; one submission).

Conditions:
Hereditary cancer-predisposing syndrome. Also called: Neoplastic Syndromes, Hereditary; Tumor predisposition; Hereditary Cancer Syndrome; Hereditary neoplastic syndrome. Identifiers: Orphanet 140162, MedGen C0027672, MeSH D009386, MONDO:0015356.

Submission:

Ambry Genetics
Classification: Uncertain significance for Hereditary cancer-predisposing syndrome. Last evaluated: 2025-11-12. Review status: criteria provided, single submitter. Criteria: Ambry Variant Classification Scheme 2023. Collection method: clinical testing. Allele origin: germline.
Comment: The p.Q2485E variant (also known as c.7453C>G), located in coding exon 14 of the BRCA2 gene, results from a C to G substitution at nucleotide position 7453. The glutamine at codon 2485 is replaced by glutamic acid, an amino acid with highly similar properties. A saturation genome editing-based study using a haploid cell-survival assay reports the functional impact of this variant as uncertain (Huang H et al. Nature. 2025 Feb;638(8050):528-537). This amino acid position is well conserved in available vertebrate species. In addition, the in silico prediction for this alteration is inconclusive. Based on the available evidence, the clinical significance of this variant remains unclear.